The following is an entry in ClinVar:

NM_004208.4(AIFM1):c.1001T>A (p.Phe334Tyr)

Genes: AIFM1 (apoptosis inducing factor mitochondria associated 1; minus strand), RAB33A (RAB33A, member RAS oncogene family; plus strand). Cytogenetic location: Xq26.1.
Variant type: single nucleotide variant.
Coding change: c.1001T>A on transcript NM_004208.4 (MANE Select); coding-DNA position 1001, T replaced by A.
Protein change: p.Phe334Tyr; replaces phenylalanine 334 with tyrosine.
Molecular consequence: missense variant. On other transcripts: 5 prime UTR variant (1), 3 prime UTR variant (1), non-coding transcript variant (1).
Genome position (GRCh38, 1-based): chrX:130,137,152, A>T on the plus strand (T>A on the coding strand, the complement: AIFM1 is on the minus strand). VCF-style: chrX-130137152-A-T. GRCh37 (hg19) VCF-style: chrX-129271127-A-T.
Other names: c.-17T>A (NM_001130846.4); c.*229T>A (NM_001130847.4); c.989T>A, p.Phe330Tyr (NM_145812.3); short protein forms F330Y, F334Y.
Identifiers: ClinVar variation 1800540 (VCV001800540.1), dbSNP rs2523121067, ClinGen allele CA414579926.
Genomic context (GRCh38, chrX:130,137,152, plus strand): 5'-TCCATGGTCCAGTTGCTGAGGTATTCGGGGAGGATCTTTCCCATATTTCCTTTCTCGGGG[A>T]AGAGTTGAATCACTTCTGTGCCCAAGGCTCGAGCTGGGAAGAAGAAACAGAGTAGTTACA-3'
Protein context (NP_004199.1, residues 324-344): RALGTEVIQL[Phe334Tyr]PEKGNMGKIL

ClinVar aggregate classification (germline): Uncertain significance (1 of 4 stars; one submission).

Allele frequency attached by ClinVar (database versions not stated): gnomAD exomes below 0.00001.
gnomAD v4.1: 2 of 1,211,338 alleles (0.00017%); highest among the groups gnomAD compares: African/African-American, 0.0035%; no homozygotes.

Submission:

GeneDx
Classification: Uncertain significance. Last evaluated: 2022-11-16. Review status: criteria provided, single submitter. Criteria: GeneDx Variant Classification Process June 2021. Collection method: clinical testing. Allele origin: germline. Affected: yes.
Comment: Not observed at significant frequency in large population cohorts (gnomAD); In silico analysis supports that this missense variant does not alter protein structure/function; Has not been previously published as pathogenic or benign to our knowledge